The following is an entry in ClinVar:

NM_001184.4(ATR):c.7294C>T (p.His2432Tyr)

Gene: ATR (ATR checkpoint kinase; minus strand). Cytogenetic location: 3q23.
Variant type: single nucleotide variant.
Coding change: c.7294C>T on transcript NM_001184.4 (MANE Select); coding-DNA position 7294, C replaced by T.
Protein change: p.His2432Tyr; replaces histidine 2432 with tyrosine.
Molecular consequence: missense variant.
Genome position (GRCh38, 1-based): chr3:142,459,282, G>A on the plus strand (C>T on the coding strand, the complement: ATR is on the minus strand). VCF-style: chr3-142459282-G-A. GRCh37 (hg19) VCF-style: chr3-142178124-G-A.
Other names: c.7102C>T, p.His2368Tyr (NM_001354579.2); short protein forms H2432Y, H2368Y.
Identifiers: ClinVar variation 1758120 (VCV001758120.2), dbSNP rs2108261557, ClinGen allele CA354797373.
Genomic context (GRCh38, chr3:142,459,282, plus strand): 5'-CTTACCATGATGTAGGATCAGGGAATGTTCTCAGAAACCACTCATGAAAAATAGGAGGAT[G>A]CCTGGGCAGGAGAAATTCTCGGAATACTTTGAGTTTTTCAGATAAAGCTGCTGACTTTGG-3'
Protein context (NP_001175.2, residues 2422-2442): KVFREFLLPR[His2432Tyr]PPIFHEWFLR

ClinVar aggregate classification (germline): Uncertain significance (1 of 4 stars; one submission).

Conditions:
Inborn genetic diseases. Identifiers: MedGen C0950123, MeSH D030342.

Submission:

Ambry Genetics
Classification: Uncertain significance for Inborn genetic diseases. Last evaluated: 2022-09-12. Review status: criteria provided, single submitter. Criteria: Ambry Variant Classification Scheme 2023. Collection method: clinical testing. Allele origin: germline.
Comment: The p.H2432Y variant (also known as c.7294C>T), located in coding exon 43 of the ATR gene, results from a C to T substitution at nucleotide position 7294. The histidine at codon 2432 is replaced by tyrosine, an amino acid with similar properties. This amino acid position is conserved. In addition, the in silico prediction for this alteration is inconclusive. Since supporting evidence is limited at this time, the clinical significance of this alteration remains unclear.